The following is an entry in ClinVar:

NM_019066.5(MAGEL2):c.773C>G (p.Pro258Arg)

Gene: MAGEL2 (MAGE family member L2; minus strand). Cytogenetic location: 15q11.2.
Variant type: single nucleotide variant.
Coding change: c.773C>G on transcript NM_019066.5 (MANE Select); coding-DNA position 773, C replaced by G.
Protein change: p.Pro258Arg; replaces proline 258 with arginine.
Molecular consequence: missense variant.
Genome position (GRCh38, 1-based): chr15:23,646,970, G>C on the plus strand (C>G on the coding strand, the complement: MAGEL2 is on the minus strand). VCF-style: chr15-23646970-G-C. GRCh37 (hg19) VCF-style: chr15-23892117-G-C.
Other names: c.773C>G (NM_019066.4); short protein forms P258R.
Identifiers: ClinVar variation 497318 (VCV000497318.8), dbSNP rs1240010230, ClinGen allele CA391335942.

ClinVar aggregate classification (germline): Uncertain significance. Review status: criteria provided, multiple submitters, no conflicts (2 of 4 stars). 2 submissions from 2 submitters: Uncertain significance (2). Last evaluated 2025-03-11.

Conditions:
MAGEL2-related disorder. Also called: MAGEL2-related condition.

Allele frequency attached by ClinVar (database versions not stated): gnomAD 0.00001; TOPMed 0.00001.
gnomAD v4.1: 2 of 1,536,720 alleles (0.00013%); highest among the groups gnomAD compares: African/African-American, 0.0027%; no homozygotes.

Submissions (2):

PreventionGenetics, part of Exact Sciences
Classification: Uncertain significance for MAGEL2-related condition. Last evaluated: 2025-03-11. Review status: criteria provided, single submitter. Criteria: ACMG Guidelines, 2015. Collection method: clinical testing. Allele origin: germline.
Comment: The MAGEL2 c.773C>G variant is predicted to result in the amino acid substitution p.Pro258Arg. To our knowledge, this variant has not been reported in the literature or in a large population database (gnomAD), indicating this variant is rare. At this time, the clinical significance of this variant is uncertain due to the absence of conclusive functional and genetic evidence.

Eurofins Ntd Llc (ga)
Classification: Uncertain significance. Last evaluated: 2016-10-19. Review status: criteria provided, single submitter. Criteria: EGL Classification Definitions 2015. Collection method: clinical testing. Allele origin: germline. Observed: 1 variant allele, 1 heterozygote.